The following is an entry in ClinVar:

ClinVar aggregate classification (germline): Uncertain significance (1 of 4 stars; one submission).

Conditions:
Early Myoclonic Encephalopathy. Identifiers: MedGen C0270855.

Allele frequency attached by ClinVar (database versions not stated): gnomAD exomes below 0.00001; gnomAD 0.00002.
gnomAD v4.1: 4 of 1,597,508 alleles (0.00025%); highest among the groups gnomAD compares: African/African-American, 0.0054%; no homozygotes.

Submission:

Labcorp Genetics (formerly Invitae), Labcorp
Classification: Uncertain significance for Early Myoclonic Encephalopathy. Last evaluated: 2023-04-15. Review status: criteria provided, single submitter. Criteria: Invitae Variant Classification Sherloc (09022015). Collection method: clinical testing. Allele origin: germline.
Comment: In summary, the available evidence is currently insufficient to determine the role of this variant in disease. Therefore, it has been classified as a Variant of Uncertain Significance. Advanced modeling of protein sequence and biophysical properties (such as structural, functional, and spatial information, amino acid conservation, physicochemical variation, residue mobility, and thermodynamic stability) performed at Invitae indicates that this missense variant is not expected to disrupt JMJD1C protein function. This variant has not been reported in the literature in individuals affected with JMJD1C-related conditions. This variant is present in population databases (no rsID available, gnomAD 0.02%). This sequence change replaces proline, which is neutral and non-polar, with serine, which is neutral and polar, at codon 901 of the JMJD1C protein (p.Pro901Ser).

NM_032776.3(JMJD1C):c.2701C>T (p.Pro901Ser)

Gene: JMJD1C (jumonji domain containing 1C; minus strand). Cytogenetic location: 10q21.3.
Variant type: single nucleotide variant.
Coding change: c.2701C>T on transcript NM_032776.3 (MANE Select); coding-DNA position 2701, C replaced by T.
Protein change: p.Pro901Ser; replaces proline 901 with serine.
Molecular consequence: missense variant. On other transcripts: non-coding transcript variant (1).
Genome position (GRCh38, 1-based): chr10:63,209,229, G>A on the plus strand (C>T on the coding strand, the complement: JMJD1C is on the minus strand). VCF-style: chr10-63209229-G-A. GRCh37 (hg19) VCF-style: chr10-64968989-G-A.
Other names: c.2155C>T, p.Pro719Ser (NM_001282948.2, NM_001318154.2); c.1837C>T, p.Pro613Ser (NM_001318153.2); c.2587C>T, p.Pro863Ser (NM_001322252.2); c.2044C>T, p.Pro682Ser (NM_001322254.2, NM_001322258.2); short protein forms P719S, P863S, P901S, P613S, P682S.
Identifiers: ClinVar variation 2881418 (VCV002881418.3), dbSNP rs893685867, ClinGen allele CA208372861.
Genomic context (GRCh38, chr10:63,209,229, plus strand): 5'-TAAGTAATCCAATACCATCTGCTGAGGTCACAGGGGTGGGCTGATGTAGCCAAGGACTGG[G>A]AGAATTCTATTAACAAAACAAAACAAAAAAAACACCTAGATTTCAGTTACTAGAAAAAGC-3'
Protein context (NP_116165.1, residues 891-911): NAEASLRRNS[Pro901Ser]SPWLHQPTPV